The following continues an entry in ClinVar:

NM_016203.4(PRKAG2):c.1390G>A (p.Asp464Asn)

Gene: PRKAG2. ClinVar aggregate classification (germline): Uncertain significance. Uncertain significance (14).

Submissions 10 to 15 of 15:

Agnes Ginges Centre for Molecular Cardiology, Centenary Institute
Classification: Uncertain significance for Hypertrophic cardiomyopathy 6. Last evaluated: 2018-10-29. Review status: criteria provided, single submitter. Criteria: ACMG Guidelines, 2015. Collection method: research. Allele origin: germline. Inheritance: Autosomal dominant inheritance. Affected: yes.
Comment: This variant has been identified as part of our research program. For further information please feel free to contact us.

Illumina Laboratory Services, Illumina
Classification: Uncertain significance for Wolff-Parkinson-White pattern. Last evaluated: 2018-01-13. Review status: criteria provided, single submitter. Criteria: ICSL Variant Classification Criteria 13 December 2019. Collection method: clinical testing. Allele origin: germline.

Illumina Laboratory Services, Illumina
Classification: Uncertain significance for Hypertrophic cardiomyopathy 6. Last evaluated: 2018-01-13. Review status: criteria provided, single submitter. Criteria: ICSL Variant Classification Criteria 13 December 2019. Collection method: clinical testing. Allele origin: germline.

Laboratory for Molecular Medicine, Mass General Brigham Personalized Medicine
Classification: Uncertain significance. Last evaluated: 2016-06-16. Review status: criteria provided, single submitter. Criteria: LMM Criteria. Collection method: clinical testing. Allele origin: germline. Observed: 3 variant alleles.
Comment: Variant classified as Uncertain Significance - Favor Pathogenic. This var iant has been identified in 5/66738 European chromosomes by the Exome Aggregatio n Consortium (ExAC; dbSNP rs397517264). Computat ional prediction tools and conservation analysis do not provide strong support f or or against an impact to the protein. In addition, this variant is located wit hin the CBS domain region where all pathogenic PRKAG2 variants have been identif ied to date (Oliveira 2003). In summary, while there is some suspicion for a pat hogenic role, the clinical significance of the p.Asp464Asn variant is uncertain.

Stanford Center for Inherited Cardiovascular Disease, Stanford University
Classification: Uncertain significance. Last evaluated: 2013-05-23. Review status: criteria provided, single submitter. Criteria: ACMG Guidelines, 2015. Collection method: provider interpretation. Allele origin: germline.

Bioscientia Institut fuer Medizinische Diagnostik GmbH, Sonic Healthcare
Classification: Uncertain significance for Hypertrophic cardiomyopathy 6. Last evaluated: 2020-06-17. Review status: no assertion criteria provided. Collection method: clinical testing. Allele origin: germline. Affected: yes. Not counted in ClinVar's aggregate classification.

Literature cited by the submitters: PubMed 33029862 (cited by 4 submitters); PubMed 37904629 (cited by 3 submitters); PubMed 28341588 (cited by Ambry Genetics and Agnes Ginges Centre for Molecular Cardiology, Centenary Institute).